The following is an entry in ClinVar:

NM_001260.3(CDK8):c.160A>G (p.Ile54Val)

Gene: CDK8 (cyclin dependent kinase 8; plus strand). Cytogenetic location: 13q12.13.
Variant type: single nucleotide variant.
Coding change: c.160A>G on transcript NM_001260.3 (MANE Select); coding-DNA position 160, A replaced by G.
Protein change: p.Ile54Val; replaces isoleucine 54 with valine.
Molecular consequence: missense variant. On other transcripts: 5 prime UTR variant (1).
Genome position (GRCh38, 1-based): chr13:26,337,598, A>G. VCF-style: chr13-26337598-A-G. GRCh37 (hg19) VCF-style: chr13-26911735-A-G.
Other names: c.160A>G, p.Ile54Val (NM_001318368.2); c.-302A>G (NM_001346501.2); c.160A>G (NM_001260.2); short protein forms I54V.
Identifiers: ClinVar variation 2854926 (VCV002854926.4), dbSNP rs2542395043, ClinGen allele CA387682480.

ClinVar aggregate classification (germline): Uncertain significance. Review status: criteria provided, single submitter (1 of 4 stars). 2 submissions from 2 submitters: Uncertain significance (1). 1 of the submissions does not count toward it. Last evaluated 2025-04-27.

Conditions:
CDK8-related disorder. Also called: CDK8-related condition.

Submissions (2):

Labcorp Genetics (formerly Invitae), Labcorp
Classification: Uncertain significance. Last evaluated: 2025-04-27. Review status: criteria provided, single submitter. Criteria: Invitae Variant Classification Sherloc (09022015). Collection method: clinical testing. Allele origin: germline.
Comment: This sequence change replaces isoleucine, which is neutral and non-polar, with valine, which is neutral and non-polar, at codon 54 of the CDK8 protein (p.Ile54Val). This variant is not present in population databases (gnomAD no frequency). This variant has not been reported in the literature in individuals affected with CDK8-related conditions. ClinVar contains an entry for this variant (Variation ID: 2854926). An algorithm developed to predict the effect of missense changes on protein structure and function (PolyPhen-2) suggests that this variant is likely to be tolerated. In summary, the available evidence is currently insufficient to determine the role of this variant in disease. Therefore, it has been classified as a Variant of Uncertain Significance.

PreventionGenetics, part of Exact Sciences
Classification: Likely pathogenic for CDK8-related condition. Last evaluated: 2024-04-18. Review status: no assertion criteria provided. Collection method: clinical testing. Allele origin: germline. Not counted in ClinVar's aggregate classification.
Comment: The CDK8 c.160A>G variant is predicted to result in the amino acid substitution p.Ile54Val. To our knowledge, this variant has not been reported in the literature or in a large population database, indicating this variant is rare. This variant is interpreted as likely pathogenic.